The following is an entry in ClinVar:

ClinVar aggregate classification (germline): Uncertain significance (1 of 4 stars; one submission).

Conditions:
Norman-Roberts syndrome (LIS2). Also called: Lissencephaly 2 (Norman-Roberts type). Identifiers: Orphanet 89844, MedGen C0796089, MONDO:0009760, OMIM 257320.
Familial temporal lobe epilepsy 7. Identifiers: Orphanet 101046, MedGen C4225327, MONDO:0014639, OMIM 616436.

Allele frequency attached by ClinVar (database versions not stated): gnomAD 0.00001.
gnomAD v4.1: 3 of 1,614,018 alleles (0.00019%); highest among the groups gnomAD compares: African/African-American, 0.0027%; no homozygotes.

Submission:

Labcorp Genetics (formerly Invitae), Labcorp
Classification: Uncertain significance for Familial temporal lobe epilepsy 7; Norman-Roberts syndrome. Last evaluated: 2020-05-04. Review status: criteria provided, single submitter. Criteria: Invitae Variant Classification Sherloc (09022015). Collection method: clinical testing. Allele origin: germline.
Comment: This sequence change replaces valine with methionine at codon 55 of the RELN protein (p.Val55Met). The valine residue is weakly conserved and there is a small physicochemical difference between valine and methionine. In summary, the available evidence is currently insufficient to determine the role of this variant in disease. Therefore, it has been classified as a Variant of Uncertain Significance. Algorithms developed to predict the effect of missense changes on protein structure and function are either unavailable or do not agree on the potential impact of this missense change (SIFT: "Deleterious"; PolyPhen-2: "Possibly Damaging"; Align-GVGD: "Class C0"). This variant has not been reported in the literature in individuals with RELN-related conditions. This variant is not present in population databases (ExAC no frequency).

NM_005045.4(RELN):c.163G>A (p.Val55Met)

Gene: RELN (reelin; minus strand). Cytogenetic location: 7q22.1.
Variant type: single nucleotide variant.
Coding change: c.163G>A on transcript NM_005045.4 (MANE Select); coding-DNA position 163, G replaced by A.
Protein change: p.Val55Met; replaces valine 55 with methionine.
Molecular consequence: missense variant.
Genome position (GRCh38, 1-based): chr7:103,989,194, C>T on the plus strand (G>A on the coding strand, the complement: RELN is on the minus strand). VCF-style: chr7-103989194-C-T. GRCh37 (hg19) VCF-style: chr7-103629641-C-T.
Other names: c.163G>A, p.Val55Met (NM_173054.3); short protein forms V55M.
Identifiers: ClinVar variation 998579 (VCV000998579.8), dbSNP rs753619762, ClinGen allele CA368931336.